The following is an entry in ClinVar:

ClinVar aggregate classification (germline): Likely benign (1 of 4 stars; one submission).

gnomAD v4.1: 55 of 1,611,972 alleles (0.0034%); highest among the groups gnomAD compares: Non-Finnish European, 0.0044%; no homozygotes.

Submission:

CeGaT Center for Human Genetics Tuebingen
Classification: Likely benign. Last evaluated: 2026-04-01. Review status: criteria provided, single submitter. Criteria: CeGaT Center For Human Genetics Tuebingen Variant Classification Criteria Version 2. Collection method: clinical testing. Allele origin: germline. Affected: yes. Observed: 1 variant allele.
Comment: MINPP1: BP4, BP7

NM_004897.5(MINPP1):c.55C>T (p.Leu19=)

Gene: MINPP1 (multiple inositol-polyphosphate phosphatase 1; plus strand). Cytogenetic location: 10q23.2.
Variant type: single nucleotide variant.
Coding change: c.55C>T on transcript NM_004897.5 (MANE Select); coding-DNA position 55, C replaced by T.
Protein change: p.Leu19=; no amino-acid change (leucine 19 retained).
Molecular consequence: synonymous variant.
Genome position (GRCh38, 1-based): chr10:87,504,970, C>T. VCF-style: chr10-87504970-C-T. GRCh37 (hg19) VCF-style: chr10-89264727-C-T.
Other names: c.55C>T, p.Leu19= (NM_001178117.2).
Identifiers: ClinVar variation 4873087 (VCV004873087.2).